The following is an entry in ClinVar:

ClinVar aggregate classification (germline): Pathogenic/Likely pathogenic. Review status: criteria provided, multiple submitters, no conflicts (2 of 4 stars). 3 submissions from 3 submitters: Pathogenic (1); Likely pathogenic (2). Last evaluated 2025-09-02.

Conditions:
alpha Thalassemia. Also called: Alpha thalassemia spectrum. Identifiers: Orphanet 846, MedGen C0002312, MONDO:0011399, OMIM 604131.
Heinz body anemia. Also called: Heinz body hemolytic anemia. Identifiers: Orphanet 178330, MedGen C0700299, MONDO:0007705, OMIM 140700, HP:0005511.
Erythrocytosis, familial, 7. Also called: ERYTHROCYTOSIS, ALPHA-GLOBIN TYPE; POLYCYTHEMIA, ALPHA-GLOBIN TYPE; ERYTHROCYTOSIS 7. Identifiers: MedGen C4693823, MONDO:0054802, OMIM 617981.
Hemoglobin H disease (HBH). Also called: Hemoglobin H (HbH) Disease; ALPHA-THALASSEMIA, HEMOGLOBIN H TYPE; HEMOGLOBIN H DISEASE, DELETIONAL. Identifiers: Orphanet 93616, MedGen C3161174, MONDO:0013512, OMIM 613978. Disease mechanism: loss of function.
Methemoglobinemia, alpha type. Identifiers: MedGen C4693798, MONDO:0020835, OMIM 617973.

Submissions (3):

Natera, Inc.
Classification: Likely pathogenic for Alpha thalassemia. Last evaluated: 2025-09-02. Review status: criteria provided, single submitter. Criteria: Natera Variant Classification Schema (03/2026). Collection method: clinical testing. Allele origin: germline.
Comment: The c.2T>C variant in HBA1 is predicted to result in start loss due to disruption of the initiator methionine. This variant is expected to result in nonsense mediated decay, truncation, or a dysfunctional protein product. This variant is rare in the general population with a frequency below the threshold expected for the associated phenotype(s). Given the available evidence, this variant is classified as Likely Pathogenic.

ARUP Laboratories, Molecular Genetics and Genomics, ARUP Laboratories
Classification: Pathogenic. Last evaluated: 2024-07-16. Review status: criteria provided, single submitter. Criteria: ARUP Molecular Germline Variant Investigation Process 2024. Collection method: clinical testing. Allele origin: germline.
Comment: The Initiation codon (T->C) variant (HBA1: c.2T>C; p.Met1?, rs1316527998) is reported in the literature in an individual with reduced MCV and MCH (Zhang 2019). This variant is only found on three alleles in the Genome Aggregation Database (v2.1.1), indicating it is not a common polymorphism. This variant abolishes the canonical translation initiation site, which is likely to disrupt gene function. Other variants that disrupt the HBA1 translation initiation site have been reported (see ClinVar Variation IDs: 2428673, 2573442, 915293). Based on available information, the Initiation codon (T->C) variant is considered to be pathogenic. References: Link to HbVar database: Zhang H et al. Next-generation sequencing improves molecular epidemiological characterization of thalassemia in Chenzhou Region, P.R. China. J Clin Lab Anal. 2019 May;33(4):e22845. PMID: 30809867.

Fulgent Genetics
Classification: Likely pathogenic for Heinz body anemia; alpha Thalassemia; Hemoglobin H disease; Methemoglobinemia, alpha type; Erythrocytosis, familial, 7. Last evaluated: 2024-02-13. Review status: criteria provided, single submitter. Criteria: ACMG Guidelines, 2015. Collection method: clinical testing. Allele origin: germline.

NM_000558.5(HBA1):c.2T>C (p.Met1Thr)

Genes: HBA1 (hemoglobin subunit alpha 1; plus strand), LOC106804613 (hemoglobin subunit alpha 1 recombination region; plus strand). Cytogenetic location: 16p13.3.
Variant type: single nucleotide variant.
Coding change: c.2T>C on transcript NM_000558.5 (MANE Select); coding-DNA position 2, T replaced by C.
Protein change: p.Met1Thr; changes the start codon (methionine 1).
Molecular consequence: missense variant, initiator codon variant.
Genome position (GRCh38, 1-based): chr16:176,718, T>C. VCF-style: chr16-176718-T-C. GRCh37 (hg19) VCF-style: chr16-226717-T-C.
Other names: c.2T>C (NM_000558.4); short protein forms M1T.
Identifiers: ClinVar variation 3579876 (VCV003579876.3).